The following is an entry in ClinVar:

NM_020778.5(ALPK3):c.4253G>A (p.Cys1418Tyr)

Gene: ALPK3 (alpha kinase 3; plus strand). Cytogenetic location: 15q25.3.
Variant type: single nucleotide variant.
Coding change: c.4253G>A on transcript NM_020778.5 (MANE Select); coding-DNA position 4253, G replaced by A.
Protein change: p.Cys1418Tyr; replaces cysteine 1418 with tyrosine.
Molecular consequence: missense variant.
Genome position (GRCh38, 1-based): chr15:84,862,758, G>A. VCF-style: chr15-84862758-G-A. GRCh37 (hg19) VCF-style: chr15-85405989-G-A.
Other names: c.4859G>A (NM_020778.4); short protein forms C1418Y.
Identifiers: ClinVar variation 2091630 (VCV002091630.5), dbSNP rs2141572654, ClinGen allele CA393362920.

ClinVar aggregate classification (germline): Uncertain significance. Review status: criteria provided, multiple submitters, no conflicts (2 of 4 stars). 2 submissions from 2 submitters: Uncertain significance (2). Last evaluated 2025-08-11.

Conditions:
Cardiovascular phenotype. Identifiers: MedGen CN230736.

Allele frequency attached by ClinVar (database versions not stated): gnomAD 0.00001.

Submissions (2):

Labcorp Genetics (formerly Invitae), Labcorp
Classification: Uncertain significance. Last evaluated: 2025-08-11. Review status: criteria provided, single submitter. Criteria: Invitae Variant Classification Sherloc (09022015). Collection method: clinical testing. Allele origin: germline.
Comment: This sequence change replaces cysteine, which is neutral and slightly polar, with tyrosine, which is neutral and polar, at codon 1620 of the ALPK3 protein (p.Cys1620Tyr). This variant is not present in population databases (gnomAD no frequency). This variant has not been reported in the literature in individuals affected with ALPK3-related conditions. ClinVar contains an entry for this variant (Variation ID: 2091630). An algorithm developed to predict the effect of missense changes on protein structure and function outputs the following: PolyPhen-2: "Benign". The tyrosine amino acid residue is found in multiple mammalian species, which suggests that this missense change does not adversely affect protein function. In summary, the available evidence is currently insufficient to determine the role of this variant in disease. Therefore, it has been classified as a Variant of Uncertain Significance.

Ambry Genetics
Classification: Uncertain significance for Cardiovascular phenotype. Last evaluated: 2024-01-03. Review status: criteria provided, single submitter. Criteria: Ambry Variant Classification Scheme 2023. Collection method: clinical testing. Allele origin: germline.
Comment: The p.C1620Y variant (also known as c.4859G>A), located in coding exon 10 of the ALPK3 gene, results from a G to A substitution at nucleotide position 4859. The cysteine at codon 1620 is replaced by tyrosine, an amino acid with highly dissimilar properties. This amino acid position is conserved. In addition, this alteration is predicted to be tolerated by in silico analysis. Since supporting evidence is limited at this time, the clinical significance of this alteration remains unclear.